The following is an entry in ClinVar:

ClinVar aggregate classification (germline): Uncertain significance (1 of 4 stars; one submission).

Conditions:
Charcot-Marie-Tooth disease type 2. Also called: Charcot-Marie-Tooth type 2. Identifiers: Orphanet 64746, MedGen C0270914, MONDO:0018993.

Submission:

Labcorp Genetics (formerly Invitae), Labcorp
Classification: Uncertain significance for Charcot-Marie-Tooth disease type 2. Last evaluated: 2024-03-08. Review status: criteria provided, single submitter. Criteria: Invitae Variant Classification Sherloc (09022015). Collection method: clinical testing. Allele origin: germline.
Comment: This sequence change replaces isoleucine, which is neutral and non-polar, with valine, which is neutral and non-polar, at codon 422 of the GARS protein (p.Ile422Val). This variant is not present in population databases (gnomAD no frequency). This variant has not been reported in the literature in individuals affected with GARS-related conditions. Advanced modeling of protein sequence and biophysical properties (such as structural, functional, and spatial information, amino acid conservation, physicochemical variation, residue mobility, and thermodynamic stability) performed at Invitae indicates that this missense variant is not expected to disrupt GARS protein function with a negative predictive value of 95%. In summary, the available evidence is currently insufficient to determine the role of this variant in disease. Therefore, it has been classified as a Variant of Uncertain Significance.

NM_002047.4(GARS1):c.1264A>G (p.Ile422Val)

Gene: GARS1 (glycyl-tRNA synthetase 1; plus strand). Cytogenetic location: 7p14.3.
Variant type: single nucleotide variant.
Coding change: c.1264A>G on transcript NM_002047.4 (MANE Select); coding-DNA position 1264, A replaced by G.
Protein change: p.Ile422Val; replaces isoleucine 422 with valine.
Molecular consequence: missense variant.
Genome position (GRCh38, 1-based): chr7:30,617,183, A>G. VCF-style: chr7-30617183-A-G. GRCh37 (hg19) VCF-style: chr7-30656799-A-G.
Other names: c.1102A>G, p.Ile368Val (NM_001316772.1); short protein forms I368V, I422V.
Identifiers: ClinVar variation 3631869 (VCV003631869.2).